The following is an entry in ClinVar:

ClinVar aggregate classification (germline): Uncertain significance (1 of 4 stars; one submission).

Submission:

Labcorp Genetics (formerly Invitae), Labcorp
Classification: Uncertain significance. Last evaluated: 2024-05-06. Review status: criteria provided, single submitter. Criteria: Invitae Variant Classification Sherloc (09022015). Collection method: clinical testing. Allele origin: germline.
Comment: This sequence change replaces leucine, which is neutral and non-polar, with arginine, which is basic and polar, at codon 553 of the ANKZF1 protein (p.Leu553Arg). This variant is not present in population databases (gnomAD no frequency). This variant has not been reported in the literature in individuals affected with ANKZF1-related conditions. An algorithm developed to predict the effect of missense changes on protein structure and function (PolyPhen-2) suggests that this variant is likely to be disruptive. In summary, the available evidence is currently insufficient to determine the role of this variant in disease. Therefore, it has been classified as a Variant of Uncertain Significance.

NM_018089.3(ANKZF1):c.1658T>G (p.Leu553Arg)

Gene: ANKZF1 (ankyrin repeat and zinc finger peptidyl tRNA hydrolase 1; plus strand). Cytogenetic location: 2q35.
Variant type: single nucleotide variant.
Coding change: c.1658T>G on transcript NM_018089.3 (MANE Select); coding-DNA position 1658, T replaced by G.
Protein change: p.Leu553Arg; replaces leucine 553 with arginine.
Molecular consequence: missense variant.
Genome position (GRCh38, 1-based): chr2:219,235,279, T>G. VCF-style: chr2-219235279-T-G. GRCh37 (hg19) VCF-style: chr2-220100001-T-G.
Other names: c.1658T>G, p.Leu553Arg (NM_001042410.2); c.1028T>G, p.Leu343Arg (NM_001282792.2); short protein forms L343R, L553R.
Identifiers: ClinVar variation 2872521 (VCV002872521.3), dbSNP rs1481973522, ClinGen allele CA350683146.